The following is an entry in ClinVar:

NM_020928.2(ZSWIM6):c.1182+6A>G

Gene: ZSWIM6 (zinc finger SWIM-type containing 6; plus strand). Cytogenetic location: 5q12.1.
Variant type: single nucleotide variant.
Coding change: c.1182+6A>G on transcript NM_020928.2 (MANE Select); 6 bases into the intron after coding-DNA position 1182, A replaced by G.
Molecular consequence: intron variant.
Genome position (GRCh38, 1-based): chr5:61,490,940, A>G. VCF-style: chr5-61490940-A-G. GRCh37 (hg19) VCF-style: chr5-60786767-A-G.
Identifiers: ClinVar variation 2090627 (VCV002090627.4), dbSNP rs1748159936, ClinGen allele CA2580073352.

ClinVar aggregate classification (germline): Uncertain significance (1 of 4 stars; one submission).

Submission:

Labcorp Genetics (formerly Invitae), Labcorp
Classification: Uncertain significance. Last evaluated: 2023-11-27. Review status: criteria provided, single submitter. Criteria: Invitae Variant Classification Sherloc (09022015). Collection method: clinical testing. Allele origin: germline.
Comment: This sequence change falls in intron 3 of the ZSWIM6 gene. It does not directly change the encoded amino acid sequence of the ZSWIM6 protein. It affects a nucleotide within the consensus splice site. This variant is not present in population databases (gnomAD no frequency). This variant has not been reported in the literature in individuals affected with ZSWIM6-related conditions. ClinVar contains an entry for this variant (Variation ID: 2090627). Variants that disrupt the consensus splice site are a relatively common cause of aberrant splicing (PMID: 17576681, 9536098). Algorithms developed to predict the effect of sequence changes on RNA splicing suggest that this variant is not likely to affect RNA splicing. In summary, the available evidence is currently insufficient to determine the role of this variant in disease. Therefore, it has been classified as a Variant of Uncertain Significance.

Literature cited by the submitters: PubMed 17576681; PubMed 9536098.